The following is an entry in ClinVar:

NM_001267550.2(TTN):c.82592_82593del (p.Val27531fs)

Genes: TTN (titin; minus strand), TTN-AS1 (TTN antisense RNA 1; plus strand). Cytogenetic location: 2q31.2.
Variant type: Deletion.
Coding change: c.82592_82593del on transcript NM_001267550.2 (MANE Select); coding-DNA positions 82592 to 82593, 2 bases deleted (TA; older notation c.82592_82593delTA).
Protein change: p.Val27531fs; shifts the reading frame from valine 27531.
Molecular consequence: frameshift variant.
Genome position (GRCh38, 1-based): chr2:178,563,539-178,563,540, TA deleted on the plus strand (TA on the coding strand, the reverse complement: TTN is on the minus strand). VCF-style (leftmost placement, unchanged base first): chr2-178563538-TTA-T. GRCh37 (hg19) VCF-style: chr2-179428265-TTA-T.
Other names: c.77669_77670del, p.Val25890fs (NM_001256850.1); c.55397_55398del, p.Val18466fs (NM_003319.4); c.74888_74889del, p.Val24963fs (NM_133378.4); c.55772_55773del, p.Val18591fs (NM_133432.3); c.55973_55974del, p.Val18658fs (NM_133437.4); short protein forms V18591fs, V24963fs, V18658fs, V27531fs, V18466fs, V25890fs.
Identifiers: ClinVar variation 940845 (VCV000940845.10), dbSNP rs1704477893, ClinGen allele CA1139657393.

ClinVar aggregate classification (germline): Likely pathogenic (1 of 4 stars; one submission).

Conditions:
Dilated cardiomyopathy 1G (CMD1G). Identifiers: Orphanet 154, MedGen C1858763, MONDO:0011400, OMIM 604145.
Autosomal recessive limb-girdle muscular dystrophy type 2J (LGMDR10). Also called: Limb-girdle muscular dystrophy, type 2J; MUSCULAR DYSTROPHY, LIMB-GIRDLE, AUTOSOMAL RECESSIVE 10. Identifiers: Orphanet 140922, MedGen C1837342, MONDO:0012127, OMIM 608807.

Submission:

Labcorp Genetics (formerly Invitae), Labcorp
Classification: Likely pathogenic for Dilated cardiomyopathy 1G; Autosomal recessive limb-girdle muscular dystrophy type 2J. Last evaluated: 2022-10-13. Review status: criteria provided, single submitter. Criteria: Invitae Variant Classification Sherloc (09022015). Collection method: clinical testing. Allele origin: germline.
Comment: This variant is located in the A band of TTN (PMID: 25589632). Truncating variants in this region are significantly overrepresented in patients affected with dilated cardiomyopathy (PMID: 25589632). Truncating variants in this region have also been reported in individuals affected with autosomal recessive centronuclear myopathy (PMID: 23975875). This sequence change creates a premature translational stop signal (p.Val27531Aspfs*10) in the TTN gene. While this is not anticipated to result in nonsense mediated decay, it is expected to create a truncated TTN protein. This variant is not present in population databases (gnomAD no frequency). This variant has not been reported in the literature in individuals affected with TTN-related conditions. ClinVar contains an entry for this variant (Variation ID: 940845). In summary, the currently available evidence indicates that the variant is pathogenic, but additional data are needed to prove that conclusively. Therefore, this variant has been classified as Likely Pathogenic.

Literature cited by the submitters: PubMed 25589632; PubMed 23975875.